The following is an entry in ClinVar:

ClinVar aggregate classification (germline): Uncertain significance (1 of 4 stars; one submission).

Conditions:
Multiple endocrine neoplasia, type 2 (MEN2). Identifiers: Orphanet 653, MedGen C4048306, MONDO:0019003. Disease mechanism: gain of function.

Submission:

Labcorp Genetics (formerly Invitae), Labcorp
Classification: Uncertain significance for Multiple endocrine neoplasia, type 2. Last evaluated: 2025-08-10. Review status: criteria provided, single submitter. Criteria: Invitae Variant Classification Sherloc (09022015). Collection method: clinical testing. Allele origin: germline.
Comment: This sequence change replaces threonine, which is neutral and polar, with serine, which is neutral and polar, at codon 170 of the RET protein (p.Thr170Ser). This variant is not present in population databases (gnomAD no frequency). This variant has not been reported in the literature in individuals affected with RET-related conditions. An algorithm developed to predict the effect of missense changes on protein structure and function outputs the following: PolyPhen-2: "Benign". The serine amino acid residue is found in multiple mammalian species, which suggests that this missense change does not adversely affect protein function. In summary, the available evidence is currently insufficient to determine the role of this variant in disease. Therefore, it has been classified as a Variant of Uncertain Significance.

NM_020975.6(RET):c.508A>T (p.Thr170Ser)

Gene: RET (ret proto-oncogene; plus strand). Cytogenetic location: 10q11.21.
Variant type: single nucleotide variant.
Coding change: c.508A>T on transcript NM_020975.6 (MANE Select); coding-DNA position 508, A replaced by T.
Protein change: p.Thr170Ser; replaces threonine 170 with serine.
Molecular consequence: missense variant. On other transcripts: intron variant (15).
Genome position (GRCh38, 1-based): chr10:43,102,512, A>T. VCF-style: chr10-43102512-A-T. GRCh37 (hg19) VCF-style: chr10-43597960-A-T.
Other names: c.508A>T, p.Thr170Ser (NM_001406743.1, NM_001406744.1, NM_001406759.1 and 14 more transcripts); c.379A>T, p.Thr127Ser (NM_001406761.1, NM_001406762.1, NM_001406764.1 and 4 more transcripts); c.337+1790A>T (NM_001406770.1, NM_001406766.1, NM_001406767.1 and 8 more transcripts); c.74-6519A>T (NM_001406784.1); c.74-9587A>T (NM_001406794.1, NM_001406792.1, NM_001406793.1); short protein forms T170S, T127S.
Identifiers: ClinVar variation 4693975 (VCV004693975.1).